The following is an entry in ClinVar:

ClinVar aggregate classification (germline): Uncertain significance. Review status: criteria provided, multiple submitters, no conflicts (2 of 4 stars). 2 submissions from 2 submitters: Uncertain significance (2). Last evaluated 2025-02-19.

Conditions:
Inborn genetic diseases. Identifiers: MedGen C0950123, MeSH D030342.

Allele frequency attached by ClinVar (database versions not stated): TOPMed 0.00002; ExAC 0.00004.
gnomAD v4.1: 50 of 1,606,338 alleles (0.0031%); highest among the groups gnomAD compares: Admixed American, 0.01%; no homozygotes.

Submissions (2):

Ambry Genetics
Classification: Uncertain significance for Inborn genetic diseases. Last evaluated: 2025-02-19. Review status: criteria provided, single submitter. Criteria: Ambry Variant Classification Scheme 2023. Collection method: clinical testing. Allele origin: germline.

Labcorp Genetics (formerly Invitae), Labcorp
Classification: Uncertain significance. Last evaluated: 2022-06-26. Review status: criteria provided, single submitter. Criteria: Invitae Variant Classification Sherloc (09022015). Collection method: clinical testing. Allele origin: germline.
Comment: In summary, the available evidence is currently insufficient to determine the role of this variant in disease. Therefore, it has been classified as a Variant of Uncertain Significance. Algorithms developed to predict the effect of missense changes on protein structure and function (SIFT, PolyPhen-2, Align-GVGD) all suggest that this variant is likely to be tolerated. This variant has not been reported in the literature in individuals affected with LAMA5-related conditions. This variant is present in population databases (rs749725070, gnomAD 0.009%). This sequence change replaces arginine, which is basic and polar, with glutamine, which is neutral and polar, at codon 1770 of the LAMA5 protein (p.Arg1770Gln).

NM_005560.6(LAMA5):c.5309G>A (p.Arg1770Gln)

Gene: LAMA5 (laminin subunit alpha 5; minus strand). Cytogenetic location: 20q13.33.
Variant type: single nucleotide variant.
Coding change: c.5309G>A on transcript NM_005560.6 (MANE Select); coding-DNA position 5309, G replaced by A.
Protein change: p.Arg1770Gln; replaces arginine 1770 with glutamine.
Molecular consequence: missense variant.
Genome position (GRCh38, 1-based): chr20:62,325,536, C>T on the plus strand (G>A on the coding strand, the complement: LAMA5 is on the minus strand). VCF-style: chr20-62325536-C-T. GRCh37 (hg19) VCF-style: chr20-60900592-C-T.
Other names: c.5309G>A (NM_005560.3); short protein forms R1770Q.
Identifiers: ClinVar variation 2152322 (VCV002152322.5), dbSNP rs749725070, ClinGen allele CA9942229.